The following is an entry in ClinVar:

NM_000264.5(PTCH1):c.2296del (p.Tyr766fs)

Genes: PTCH1 (patched 1; minus strand), LOC100507346 (uncharacterized LOC100507346; plus strand). Cytogenetic location: 9q22.32.
Variant type: Deletion.
Coding change: c.2296del on transcript NM_000264.5 (MANE Select); coding-DNA position 2296, one base deleted (T; older notation c.2296delT).
Protein change: p.Tyr766fs; shifts the reading frame from tyrosine 766.
Molecular consequence: frameshift variant. On other transcripts: non-coding transcript variant (1).
Genome position (GRCh38, 1-based): chr9:95,467,380, A deleted on the plus strand (T on the coding strand, the reverse complement: PTCH1 is on the minus strand); the first of 3 consecutive A bases (chr9:95,467,380-95,467,382); deleting any one gives the same sequence. VCF-style (leftmost placement, unchanged base first): chr9-95467379-TA-T. GRCh37 (hg19) VCF-style: chr9-98229661-TA-T.
Other names: c.2098del, p.Tyr700fs (NM_001083602.3); c.2293del, p.Tyr765fs (NM_001083603.3); c.1843del, p.Tyr615fs (NM_001083604.3, NM_001083605.3, NM_001083606.3 and 1 more transcripts); c.2140del, p.Tyr714fs (NM_001354918.2); short protein forms Y615fs, Y700fs, Y714fs, Y765fs, Y766fs.
Identifiers: ClinVar variation 1070553 (VCV001070553.7), dbSNP rs2117973287, ClinGen allele CA2499220049.

ClinVar aggregate classification (germline): Pathogenic (1 of 4 stars; one submission).

Conditions:
Gorlin syndrome. Also called: Nevoid Basal Cell Carcinoma Syndrome; Basal cell nevus syndrome. Identifiers: Orphanet 377, MedGen C0004779, MONDO:0007187.

Submission:

Labcorp Genetics (formerly Invitae), Labcorp
Classification: Pathogenic for Gorlin syndrome. Last evaluated: 2020-06-29. Review status: criteria provided, single submitter. Criteria: Invitae Variant Classification Sherloc (09022015). Collection method: clinical testing. Allele origin: germline.
Comment: For these reasons, this variant has been classified as Pathogenic. Loss-of-function variants in PTCH1 are known to be pathogenic (PMID: 16301862, 16419085). This variant has not been reported in the literature in individuals with PTCH1-related conditions. This variant is not present in population databases (ExAC no frequency). This sequence change creates a premature translational stop signal (p.Tyr766Metfs*6) in the PTCH1 gene. It is expected to result in an absent or disrupted protein product.

Literature cited by the submitters: PubMed 16301862; PubMed 16419085.